The following is an entry in ClinVar:

NM_012210.4(TRIM32):c.1684G>A (p.Gly562Ser)

Genes: ASTN2 (astrotactin 2; minus strand), TRIM32 (tripartite motif containing 32; plus strand). Cytogenetic location: 9q33.1.
Variant type: single nucleotide variant.
Coding change: c.1684G>A on transcript NM_012210.4 (MANE Select); coding-DNA position 1684, G replaced by A.
Protein change: p.Gly562Ser; replaces glycine 562 with serine.
Molecular consequence: missense variant. On other transcripts: intron variant (3).
Genome position (GRCh38, 1-based): chr9:116,699,426, G>A. VCF-style: chr9-116699426-G-A. GRCh37 (hg19) VCF-style: chr9-119461705-G-A.
Other names: c.1684G>A, p.Gly562Ser (NM_001099679.2, NM_001379048.1, NM_001379049.1 and 1 more transcripts); c.2653+26345C>T (NM_014010.5); c.2794+26345C>T (NM_001365069.1); c.2806+26345C>T (NM_001365068.1); short protein forms G562S.
Identifiers: ClinVar variation 4985629 (VCV004985629.1).

ClinVar aggregate classification (germline): Uncertain significance (1 of 4 stars; one submission).

Conditions:
TRIM32-related disorder. Also called: TRIM32-related condition.

gnomAD v4.1: 1 of 1,614,116 alleles (0.000062%); no homozygotes.

Submission:

PreventionGenetics, part of Exact Sciences
Classification: Uncertain significance for TRIM32-related condition. Last evaluated: 2026-02-04. Review status: criteria provided, single submitter. Criteria: ACMG Guidelines, 2015. Collection method: clinical testing. Allele origin: germline.
Comment: The TRIM32 c.1684G>A variant is predicted to result in the amino acid substitution p.Gly562Ser. To our knowledge, this variant has not been reported in the literature or in a large population database (gnomAD), indicating this variant is rare. At this time, the clinical significance of this variant is uncertain due to the absence of conclusive functional and genetic evidence.